The following is an entry in ClinVar:

NM_001370466.1(NOD2):c.1234C>T (p.Arg412Cys)

Gene: NOD2 (nucleotide binding oligomerization domain containing 2; plus strand). Cytogenetic location: 16q12.1.
Variant type: single nucleotide variant.
Coding change: c.1234C>T on transcript NM_001370466.1 (MANE Select); coding-DNA position 1234, C replaced by T.
Protein change: p.Arg412Cys; replaces arginine 412 with cysteine.
Molecular consequence: missense variant. On other transcripts: non-coding transcript variant (1).
Genome position (GRCh38, 1-based): chr16:50,711,226, C>T. VCF-style: chr16-50711226-C-T. GRCh37 (hg19) VCF-style: chr16-50745137-C-T.
Other names: c.1234C>T, p.Arg412Cys (NM_001293557.2); c.1315C>T, p.Arg439Cys (NM_022162.3); short protein forms R439C, R412C.
Identifiers: ClinVar variation 1484179 (VCV001484179.21), dbSNP rs375201229, ClinGen allele CA8051518.

ClinVar aggregate classification (germline): Conflicting classifications of pathogenicity. Review status: criteria provided, conflicting classifications (1 of 4 stars). 4 submissions from 4 submitters: Uncertain significance (2); Likely benign (2). Last evaluated 2026-02-11.

Conditions:
Blau syndrome (BLAUS). Also called: ARTHROCUTANEOUVEAL GRANULOMATOSIS; GRANULOMATOSIS, FAMILIAL JUVENILE SYSTEMIC; GRANULOMATOSIS, FAMILIAL, BLAU TYPE; GRANULOMATOUS INFLAMMATORY ARTHRITIS, DERMATITIS, AND UVEITIS, FAMILIAL; JABS SYNDROME. Identifiers: Orphanet 90340, MedGen C5201146, MONDO:0008523, OMIM 186580.
Regional enteritis. Also called: Enteritis, Granulomatous. Identifiers: MedGen C0678202, MeSH D003424.
Inflammatory bowel disease 1 (IBD1). Also called: Inflammatory bowel disease 1, Crohn disease; INFLAMMATORY BOWEL DISEASE (CROHN DISEASE) 1. Identifiers: MedGen CN260071, MONDO:0009960, OMIM 266600.

Allele frequency attached by ClinVar (database versions not stated): gnomAD 0.00004 and 0.00005; TOPMed 0.00005; ExAC 0.00007; ESP Exome Variant Server 0.00008.
gnomAD v4.1: 89 of 1,613,908 alleles (0.0055%); highest among the groups gnomAD compares: Middle Eastern, 0.049%; no homozygotes.

Submissions (4):

Women's Health and Genetics/Laboratory Corporation of America, LabCorp
Classification: Likely benign. Last evaluated: 2026-02-11. Review status: criteria provided, single submitter. Criteria: LabCorp Variant Classification Summary - May 2015. Collection method: clinical testing. Allele origin: germline.
Comment: Variant summary: NOD2 c.1315C>T (p.Arg439Cys) results in a non-conservative amino acid change in the encoded protein sequence. Algorithms developed to predict the effect of missense changes on protein structure and function are either unavailable or do not agree on the potential impact of this missense change. The variant allele was found at a frequency of 4.8e-05 in 250484 control chromosomes. The observed variant frequency exceeds the estimated maximal expected allele frequency for disease-causing variants in NOD2. c.1315C>T has been observed in individual(s) affected with ichthyosis vulgaris and atopic dermatitis (Taylan_2015). These report(s) do not provide unequivocal conclusions about association of the variant with Blau syndrome. At least one publication reports experimental evidence evaluating an impact on protein function (Tanabe_2004). These results showed no damaging effect of this variant. The following publications have been ascertained in the context of this evaluation (PMID: 15044951, 25819062). ClinVar contains an entry for this variant (Variation ID: 1484179). Based on the evidence outlined above, the variant was classified as likely benign.

Labcorp Genetics (formerly Invitae), Labcorp
Classification: Uncertain significance for Regional enteritis; Blau syndrome. Last evaluated: 2026-01-30. Review status: criteria provided, single submitter. Criteria: Invitae Variant Classification Sherloc (09022015). Collection method: clinical testing. Allele origin: germline.
Comment: This sequence change replaces arginine, which is basic and polar, with cysteine, which is neutral and slightly polar, at codon 439 of the NOD2 protein (p.Arg439Cys). This variant is present in population databases (rs375201229, gnomAD 0.02%). This variant has not been reported in the literature in individuals affected with NOD2-related conditions. ClinVar contains an entry for this variant (Variation ID: 1484179). Invitae Evidence Modeling of protein sequence and biophysical properties (such as structural, functional, and spatial information, amino acid conservation, physicochemical variation, residue mobility, and thermodynamic stability) indicates that this missense variant is not expected to disrupt NOD2 protein function with a negative predictive value of 95%. In summary, the available evidence is currently insufficient to determine the role of this variant in disease. Therefore, it has been classified as a Variant of Uncertain Significance.

CeGaT Center for Human Genetics Tuebingen
Classification: Likely benign. Last evaluated: 2025-01-01. Review status: criteria provided, single submitter. Criteria: CeGaT Center For Human Genetics Tuebingen Variant Classification Criteria Version 2. Collection method: clinical testing. Allele origin: germline. Affected: yes. Observed: 1 variant allele.
Comment: NOD2: BP4

Laboratorio de Genetica e Diagnostico Molecular, Hospital Israelita Albert Einstein
Classification: Uncertain significance for Inflammatory bowel disease 1. Last evaluated: 2022-07-25. Review status: criteria provided, single submitter. Criteria: ACMG Guidelines, 2015. Collection method: clinical testing. Allele origin: germline. Affected: yes. Observed: 1 variant allele.
Comment: ACMG classification criteria: BP4 supporting

Literature cited by the submitters: PubMed 25819062 (cited by Women's Health and Genetics/Laboratory Corporation of America, LabCorp); PubMed 15044951 (cited by Women's Health and Genetics/Laboratory Corporation of America, LabCorp).